The following is an entry in ClinVar:

ClinVar aggregate classification (germline): Uncertain significance. Review status: criteria provided, multiple submitters, no conflicts (2 of 4 stars). 2 submissions from 2 submitters: Uncertain significance (2). Last evaluated 2026-07-06.

Conditions:
Inborn genetic diseases. Identifiers: MedGen C0950123, MeSH D030342.
Acute myeloid leukemia (AML). Also called: Leukemia, acute myeloid, somatic; Leukemia, acute myelogenous, somatic; Acute myeloid leukemia, adult; AML adult; Acute non-lymphocytic leukemia; Acute granulocytic leukemia. Identifiers: Orphanet 519, MedGen C0023467, MeSH D015470, MONDO:0018874, OMIM 601626, HP:0004808. Disease mechanism: Constitutively activated FLT3.

Submissions (2):

Ambry Genetics
Classification: Uncertain significance for Inborn genetic diseases. Last evaluated: 2026-07-06. Review status: criteria provided, single submitter. Criteria: Ambry Variant Classification Scheme 2023. Collection method: clinical testing. Allele origin: germline.
Comment: The p.Q330P variant (also known as c.989A>C), located in coding exon 1 of the CEBPA gene, results from an A to C substitution at nucleotide position 989. The glutamine at codon 330 is replaced by proline, an amino acid with similar properties. This amino acid position is conserved. In addition, the in silico prediction for this alteration is inconclusive. Based on the available evidence, the clinical significance of this variant remains unclear.

Labcorp Genetics (formerly Invitae), Labcorp
Classification: Uncertain significance for Acute myeloid leukemia. Last evaluated: 2024-04-08. Review status: criteria provided, single submitter. Criteria: Invitae Variant Classification Sherloc (09022015). Collection method: clinical testing. Allele origin: germline.
Comment: This sequence change replaces glutamine, which is neutral and polar, with proline, which is neutral and non-polar, at codon 330 of the CEBPA protein (p.Gln330Pro). This variant is not present in population databases (gnomAD no frequency). This variant has not been reported in the literature in individuals affected with CEBPA-related conditions. ClinVar contains an entry for this variant (Variation ID: 456709). Advanced modeling of protein sequence and biophysical properties (such as structural, functional, and spatial information, amino acid conservation, physicochemical variation, residue mobility, and thermodynamic stability) performed at Invitae indicates that this missense variant is not expected to disrupt CEBPA protein function with a negative predictive value of 80%. In summary, the available evidence is currently insufficient to determine the role of this variant in disease. Therefore, it has been classified as a Variant of Uncertain Significance.

NM_004364.5(CEBPA):c.989A>C (p.Gln330Pro)

Gene: CEBPA (CCAAT enhancer binding protein alpha; minus strand). Cytogenetic location: 19q13.11.
Variant type: single nucleotide variant.
Coding change: c.989A>C on transcript NM_004364.5 (MANE Select); coding-DNA position 989, A replaced by C.
Protein change: p.Gln330Pro; replaces glutamine 330 with proline.
Molecular consequence: missense variant.
Genome position (GRCh38, 1-based): chr19:33,301,426, T>G on the plus strand (A>C on the coding strand, the complement: CEBPA is on the minus strand). VCF-style: chr19-33301426-T-G. GRCh37 (hg19) VCF-style: chr19-33792332-T-G.
Other names: c.632A>C, p.Gln211Pro (NM_001285829.2); c.1094A>C, p.Gln365Pro (NM_001287424.2); c.947A>C, p.Gln316Pro (NM_001287435.2); c.989A>C (NM_004364.3); short protein forms Q330P, Q211P, Q316P, Q365P.
Identifiers: ClinVar variation 456709 (VCV000456709.10), dbSNP rs1555741952, ClinGen allele CA405273769.